The following is an entry in ClinVar:

NM_001035.3(RYR2):c.10433T>G (p.Leu3478Trp)

Gene: RYR2 (ryanodine receptor 2; plus strand). Cytogenetic location: 1q43.
Variant type: single nucleotide variant.
Coding change: c.10433T>G on transcript NM_001035.3 (MANE Select); coding-DNA position 10433, T replaced by G.
Protein change: p.Leu3478Trp; replaces leucine 3478 with tryptophan.
Molecular consequence: missense variant.
Genome position (GRCh38, 1-based): chr1:237,717,307, T>G. VCF-style: chr1-237717307-T-G. GRCh37 (hg19) VCF-style: chr1-237880607-T-G.
Other names: short protein forms L3478W.
Identifiers: ClinVar variation 4757215 (VCV004757215.1).

ClinVar aggregate classification (germline): Uncertain significance (1 of 4 stars; one submission).

Conditions:
Cardiomyopathy (CMYO). Also called: Cardiomyopathies. Identifiers: Orphanet 167848, MedGen C0878544, MONDO:0004994, HP:0001638. Inheritance: Various modes of inheritance.

Submission:

Color Diagnostics, LLC DBA Color Health
Classification: Uncertain significance for Cardiomyopathy. Last evaluated: 2025-06-09. Review status: criteria provided, single submitter. Criteria: ACMG Guidelines, 2015. Collection method: clinical testing. Allele origin: germline.
Comment: This missense variant replaces leucine with tryptophan at codon 3478 of the RYR2 protein. Computational prediction suggests that this variant may have deleterious impact on protein structure and function. To our knowledge, functional studies have not been reported for this variant. This variant has not been reported in individuals affected with RYR2-related disorders in the literature. This variant has not been identified in the general population by the Genome Aggregation Database (gnomAD). The available evidence is insufficient to determine the role of this variant in disease conclusively. Therefore, this variant is classified as a Variant of Uncertain Significance.